The following is an entry in ClinVar:

NM_032043.3(BRIP1):c.2796A>T (p.Glu932Asp)

Gene: BRIP1 (BRCA1 interacting DNA helicase 1; minus strand). Cytogenetic location: 17q23.2.
Variant type: single nucleotide variant.
Coding change: c.2796A>T on transcript NM_032043.3 (MANE Select); coding-DNA position 2796, A replaced by T.
Protein change: p.Glu932Asp; replaces glutamic acid 932 with aspartic acid.
Molecular consequence: missense variant.
Genome position (GRCh38, 1-based): chr17:61,685,945, T>A on the plus strand (A>T on the coding strand, the complement: BRIP1 is on the minus strand). VCF-style: chr17-61685945-T-A. GRCh37 (hg19) VCF-style: chr17-59763306-T-A.
Other names: short protein forms E932D.
Identifiers: ClinVar variation 3993162 (VCV003993162.1).

ClinVar aggregate classification (germline): Uncertain significance (1 of 4 stars; one submission).

Conditions:
Hereditary cancer-predisposing syndrome. Also called: Tumor predisposition; Hereditary neoplastic syndrome; Neoplastic Syndromes, Hereditary; Hereditary Cancer Syndrome. Identifiers: Orphanet 140162, MedGen C0027672, MeSH D009386, MONDO:0015356.

Submission:

Ambry Genetics
Classification: Uncertain significance for Hereditary cancer-predisposing syndrome. Last evaluated: 2025-05-27. Review status: criteria provided, single submitter. Criteria: Ambry Variant Classification Scheme 2023. Collection method: clinical testing. Allele origin: germline.
Comment: The p.E932D variant (also known as c.2796A>T), located in coding exon 18 of the BRIP1 gene, results from an A to T substitution at nucleotide position 2796. The glutamic acid at codon 932 is replaced by aspartic acid, an amino acid with highly similar properties. This amino acid position is conserved. In addition, this alteration is predicted to be tolerated by in silico analysis. Based on the available evidence, the clinical significance of this variant remains unclear.